The following is an entry in ClinVar:

NM_003325.4(HIRA):c.1131C>G (p.Ser377=)

Gene: HIRA (histone cell cycle regulator; minus strand). Cytogenetic location: 22q11.21.
Variant type: single nucleotide variant.
Coding change: c.1131C>G on transcript NM_003325.4 (MANE Select); coding-DNA position 1131, C replaced by G.
Protein change: p.Ser377=; no amino-acid change (serine 377 retained).
Molecular consequence: synonymous variant.
Genome position (GRCh38, 1-based): chr22:19,385,719, G>C on the plus strand (C>G on the coding strand, the complement: HIRA is on the minus strand). VCF-style: chr22-19385719-G-C. GRCh37 (hg19) VCF-style: chr22-19373242-G-C.
Identifiers: ClinVar variation 3905345 (VCV003905345.10).

ClinVar aggregate classification (germline): Likely benign (1 of 4 stars; one submission).

gnomAD v4.1: 46 of 1,613,686 alleles (0.0029%); highest among the groups gnomAD compares: Admixed American, 0.012%; no homozygotes.

Submission:

CeGaT Center for Human Genetics Tuebingen
Classification: Likely benign. Last evaluated: 2025-06-01. Review status: criteria provided, single submitter. Criteria: CeGaT Center For Human Genetics Tuebingen Variant Classification Criteria Version 2. Collection method: clinical testing. Allele origin: germline. Affected: yes. Observed: 1 variant allele.
Comment: HIRA: BP4, BP7